The following is an entry in ClinVar:

NM_007294.4(BRCA1):c.2476A>C (p.Thr826Pro)

Gene: BRCA1 (BRCA1 DNA repair associated; minus strand). Cytogenetic location: 17q21.31.
Variant type: single nucleotide variant.
Coding change: c.2476A>C on transcript NM_007294.4 (MANE Select); coding-DNA position 2476, A replaced by C.
Protein change: p.Thr826Pro; replaces threonine 826 with proline.
Molecular consequence: missense variant. On other transcripts: intron variant (137).
Genome position (GRCh38, 1-based): chr17:43,093,055, T>G on the plus strand (A>C on the coding strand, the complement: BRCA1 is on the minus strand). VCF-style: chr17-43093055-T-G. GRCh37 (hg19) VCF-style: chr17-41245072-T-G.
Other names: c.2335A>C, p.Thr779Pro (NM_001407697.1, NM_001407698.1, NM_001407724.1 and 29 more transcripts); c.2263A>C, p.Thr755Pro (NM_001407571.1, NM_001407853.1, NM_001407894.1 and 9 more transcripts); c.2476A>C, p.Thr826Pro (NM_001407581.1, NM_001407582.1, NM_001407583.1 and 30 more transcripts); c.2473A>C, p.Thr825Pro (NM_001407587.1, NM_001407590.1, NM_001407591.1 and 22 more transcripts); c.2467A>C, p.Thr823Pro (NM_001407646.1, NM_001407647.1); c.2353A>C, p.Thr785Pro (NM_001407648.1, NM_001407664.1, NM_001407665.1 and 19 more transcripts); c.2350A>C, p.Thr784Pro (NM_001407649.1, NM_001407670.1, NM_001407671.1 and 11 more transcripts); c.2398A>C, p.Thr800Pro (NM_001407653.1, NM_001407654.1, NM_001407655.1 and 4 more transcripts); and 41 more; short protein forms T826P, T779P, T658P, T698P, T714P, T715P, T778P, T799P.
Identifiers: ClinVar variation 821335 (VCV000821335.17), dbSNP rs1597869768, ClinGen allele CA10597051.
Genomic context (GRCh38, chr17:43,093,055, plus strand): 5'-CTATGCTTGTTTCCCGACTGTGGTTAACTTCATGTCCCAATGGATACTTAAAGCCTTCTG[T>G]GTCATTTCTATTATCTTTGGAACAACCATGAATTAGTCCCTTGGGGTTTTCAAATGCTGC-3'
Protein context (NP_009225.1, residues 816-836): HGCSKDNRND[Thr826Pro]EGFKYPLGHE

ClinVar aggregate classification (germline): Conflicting classifications of pathogenicity. Review status: criteria provided, conflicting classifications (1 of 4 stars). 3 submissions from 3 submitters: Uncertain significance (2); Likely benign (1). Last evaluated 2025-03-04.

Conditions:
Hereditary breast ovarian cancer syndrome. Also called: Hereditary breast and/or ovarian cancer syndrome; BRCA1- and BRCA2-Associated Hereditary Breast and Ovarian Cancer; Hereditary breast and ovarian cancer syndrome; Hereditary breast and ovarian cancer; Hereditary breast and ovarian cancer syndrome (HBOC); Breast and ovarian cancer. Identifiers: Orphanet 145, MedGen C0677776, MeSH D061325, MONDO:0003582. Disease mechanism: loss of function.
Hereditary cancer-predisposing syndrome. Also called: Neoplastic Syndromes, Hereditary; Tumor predisposition; Hereditary Cancer Syndrome; Hereditary neoplastic syndrome. Identifiers: Orphanet 140162, MedGen C0027672, MeSH D009386, MONDO:0015356.

Submissions (3):

Ambry Genetics
Classification: Uncertain significance for Hereditary cancer-predisposing syndrome. Last evaluated: 2025-03-04. Review status: criteria provided, single submitter. Criteria: Ambry Variant Classification Scheme 2023. Collection method: clinical testing. Allele origin: germline.
Comment: The p.T826P variant (also known as c.2476A>C), located in coding exon 9 of the BRCA1 gene, results from an A to C substitution at nucleotide position 2476. The threonine at codon 826 is replaced by proline, an amino acid with highly similar properties. This amino acid position is not well conserved in available vertebrate species. In addition, the in silico prediction for this alteration is inconclusive. Based on the available evidence, the clinical significance of this variant remains unclear.

Labcorp Genetics (formerly Invitae), Labcorp
Classification: Uncertain significance for Hereditary breast ovarian cancer syndrome. Last evaluated: 2023-07-21. Review status: criteria provided, single submitter. Criteria: Invitae Variant Classification Sherloc (09022015). Collection method: clinical testing. Allele origin: germline.
Comment: In summary, the available evidence is currently insufficient to determine the role of this variant in disease. Therefore, it has been classified as a Variant of Uncertain Significance. This sequence change replaces threonine, which is neutral and polar, with proline, which is neutral and non-polar, at codon 826 of the BRCA1 protein (p.Thr826Pro). This variant is not present in population databases (gnomAD no frequency). This variant has not been reported in the literature in individuals affected with BRCA1-related conditions. ClinVar contains an entry for this variant (Variation ID: 821335). Advanced modeling of protein sequence and biophysical properties (such as structural, functional, and spatial information, amino acid conservation, physicochemical variation, residue mobility, and thermodynamic stability) performed at Invitae indicates that this missense variant is not expected to disrupt BRCA1 protein function.

University of Washington Department of Laboratory Medicine, University of Washington
Classification: Likely benign for Hereditary cancer-predisposing syndrome. Last evaluated: 2023-03-23. Review status: criteria provided, single submitter. Criteria: Dines et al. (Genet Med. 2020). Collection method: curation. Allele origin: germline.
Comment: Missense variant in a coldspot region where missense variants are very unlikely to be pathogenic (PMID:31911673).

BRCA1 coldspot (exon 11 using historical exon numbering). Reclassification based on statistical prior probability